The following is an entry in ClinVar:

ClinVar aggregate classification (germline): Uncertain significance (1 of 4 stars; one submission).

Submission:

Ambry Genetics
Classification: Uncertain significance. Last evaluated: 2025-06-09. Review status: criteria provided, single submitter. Criteria: Ambry Variant Classification Scheme 2023. Collection method: clinical testing. Allele origin: germline.
Comment: The p.A604S variant (also known as c.1810G>T), located in coding exon 18 of the KIF1B gene, results from a G to T substitution at nucleotide position 1810. The alanine at codon 604 is replaced by serine, an amino acid with similar properties. This amino acid position is conserved. In addition, the in silico prediction for this alteration is inconclusive. Based on the available evidence, the clinical significance of this variant remains unclear.

NM_001365951.3(KIF1B):c.1948G>T (p.Ala650Ser)

Gene: KIF1B (kinesin family member 1B; plus strand). Cytogenetic location: 1p36.22.
Variant type: single nucleotide variant.
Coding change: c.1948G>T on transcript NM_001365951.3 (MANE Select); coding-DNA position 1948, G replaced by T.
Protein change: p.Ala650Ser; replaces alanine 650 with serine.
Molecular consequence: missense variant.
Genome position (GRCh38, 1-based): chr1:10,296,983, G>T. VCF-style: chr1-10296983-G-T. GRCh37 (hg19) VCF-style: chr1-10357041-G-T.
Other names: c.1948G>T, p.Ala650Ser (NM_001365952.1); c.1810G>T, p.Ala604Ser (NM_001365953.1, NM_015074.3, NM_183416.4); short protein forms A604S, A650S.
Identifiers: ClinVar variation 4043167 (VCV004043167.1).